The following is an entry in ClinVar:

NM_000431.4(MVK):c.494C>T (p.Pro165Leu)

Gene: MVK (mevalonate kinase; plus strand). Cytogenetic location: 12q24.11.
Variant type: single nucleotide variant.
Coding change: c.494C>T on transcript NM_000431.4 (MANE Select); coding-DNA position 494, C replaced by T.
Protein change: p.Pro165Leu; replaces proline 165 with leucine.
Molecular consequence: missense variant. On other transcripts: intron variant (1).
Genome position (GRCh38, 1-based): chr12:109,581,517, C>T. VCF-style: chr12-109581517-C-T. GRCh37 (hg19) VCF-style: chr12-110019322-C-T.
Other names: c.494C>T, p.Pro165Leu (NM_001114185.3, LRG_156t1); c.371+1571C>T (NM_001301182.2); short protein forms P165L.
Identifiers: ClinVar variation 11933 (VCV000011933.12), dbSNP rs121917790, ClinGen allele CA121784.

ClinVar aggregate classification (germline): Likely pathogenic. Review status: criteria provided, single submitter (1 of 4 stars). 2 submissions from 2 submitters: Likely pathogenic (1). 1 of the submissions does not count toward it. Last evaluated 2019-04-19.

Conditions:
Porokeratosis 3, disseminated superficial actinic type (POROK3). Also called: POROKERATOSIS 3, MULTIPLE TYPES; POROKERATOSIS 3, MIBELLI TYPE; POROKERATOSIS, DISSEMINATED SUPERFICIAL ACTINIC, 1. Identifiers: MedGen C1867981, MONDO:0008293, OMIM 175900.
Mevalonic aciduria (MEVA). Identifiers: Orphanet 29, MedGen C1959626, MONDO:0012481, OMIM 610377.
Hyperimmunoglobulin D with periodic fever (HIDS). Also called: Hyperimmunoglobulinemia D; Hyperimmunoglobulinemia D with periodic fever; HYPERIMMUNOGLOBULINEMIA D AND PERIODIC FEVER SYNDROME. Identifiers: Orphanet 343, MedGen C0398691, MONDO:0009849, OMIM 260920.

Submissions (2):

Labcorp Genetics (formerly Invitae), Labcorp
Classification: Likely pathogenic for Mevalonic aciduria; Hyperimmunoglobulin D with periodic fever; Porokeratosis 3, disseminated superficial actinic type. Last evaluated: 2019-04-19. Review status: criteria provided, single submitter. Criteria: Invitae Variant Classification Sherloc (09022015). Collection method: clinical testing. Allele origin: germline.
Comment: This sequence change replaces proline with leucine at codon 165 of the MVK protein (p.Pro165Leu). The proline residue is weakly conserved and there is a moderate physicochemical difference between proline and leucine. This variant is not present in population databases (ExAC no frequency). This variant has been observed in individuals with clinical features consistent with hyper IgD syndrome or mevalonate kinase deficiency (PMID: 10369262, 29047407). In at least one individual the data is consistent with the variant being in trans (on the opposite chromosome) from a pathogenic variant. ClinVar contains an entry for this variant (Variation ID: 11933). Algorithms developed to predict the effect of missense changes on protein structure and function (SIFT, PolyPhen-2, Align-GVGD) all suggest that this variant is likely to be tolerated, but these predictions have not been confirmed by published functional studies and their clinical significance is uncertain. For these reasons, this allele has been classified as Likely Pathogenic.

OMIM
Classification: Pathogenic for HYPER-IgD SYNDROME. Last evaluated: 1999-06-01. Review status: no assertion criteria provided. Collection method: literature only. Allele origin: germline. Not counted in ClinVar's aggregate classification.

Literature cited by the submitters: PubMed 10369262 (cited by Labcorp Genetics (formerly Invitae), Labcorp and OMIM); PubMed 29047407 (cited by Labcorp Genetics (formerly Invitae), Labcorp).